The following is an entry in ClinVar:

NM_015910.7(WDPCP):c.1566C>G (p.Ile522Met)

Gene: WDPCP (WD repeat containing planar cell polarity effector; minus strand). Cytogenetic location: 2p15.
Variant type: single nucleotide variant.
Coding change: c.1566C>G on transcript NM_015910.7 (MANE Select); coding-DNA position 1566, C replaced by G.
Protein change: p.Ile522Met; replaces isoleucine 522 with methionine.
Molecular consequence: missense variant. On other transcripts: non-coding transcript variant (3).
Genome position (GRCh38, 1-based): chr2:63,381,964, G>C on the plus strand (C>G on the coding strand, the complement: WDPCP is on the minus strand). VCF-style: chr2-63381964-G-C. GRCh37 (hg19) VCF-style: chr2-63609099-G-C.
Other names: c.1089C>G, p.Ile363Met (NM_001042692.3); c.1494C>G, p.Ile498Met (NM_001354044.2); c.1566C>G, p.Ile522Met (NM_001354045.2); short protein forms I522M, I498M, I363M.
Identifiers: ClinVar variation 5000022 (VCV005000022.1).
Genomic context (GRCh38, chr2:63,381,964, plus strand): 5'-ACCTTCTCTCTCTGGAGTGAGCTTCTGTCTAAGAAGATGGTTTACAATGGCGCTCATGCT[G>C]ATAAAGCACTGGTGGCCCAGAGTGTCCCAGTTCATGCTGCTCAGGATGTTTATTGCCTCA-3'
Protein context (NP_056994.3, residues 512-532): NWDTLGHQCF[Ile522Met]SMSAIVNHLL

ClinVar aggregate classification (germline): Uncertain significance (1 of 4 stars; one submission).

Conditions:
WDPCP-related disorder. Also called: WDPCP-related condition.

Submission:

PreventionGenetics, part of Exact Sciences
Classification: Uncertain significance for WDPCP-related condition. Last evaluated: 2024-12-06. Review status: criteria provided, single submitter. Criteria: ACMG Guidelines, 2015. Collection method: clinical testing. Allele origin: germline.
Comment: The WDPCP c.1566C>G variant is predicted to result in the amino acid substitution p.Ile522Met. To our knowledge, this variant has not been reported in the literature or in a large population database (gnomAD), indicating this variant is rare. At this time, the clinical significance of this variant is uncertain due to the absence of conclusive functional and genetic evidence.